The following is an entry in ClinVar:

ClinVar aggregate classification (germline): Pathogenic (1 of 4 stars; one submission).

Conditions:
Hereditary cancer-predisposing syndrome. Also called: Neoplastic Syndromes, Hereditary; Tumor predisposition; Hereditary Cancer Syndrome; Hereditary neoplastic syndrome. Identifiers: Orphanet 140162, MedGen C0027672, MeSH D009386, MONDO:0015356.

Submission:

Ambry Genetics
Classification: Pathogenic for Hereditary cancer-predisposing syndrome. Last evaluated: 2020-08-24. Review status: criteria provided, single submitter. Criteria: Ambry Variant Classification Scheme 2023. Collection method: clinical testing. Allele origin: germline.
Comment: The c.3282_3285dupACGC pathogenic mutation, located in coding exon 5 of the MSH6 gene, results from a duplication of ACGC at nucleotide position 3282, causing a translational frameshift with a predicted alternate stop codon (p.H1096Tfs*13). This alteration is expected to result in loss of function by premature protein truncation or nonsense-mediated mRNA decay. As such, this alteration is interpreted as a disease-causing mutation.

NM_000179.3(MSH6):c.3282_3285dup (p.His1096fs)

Gene: MSH6 (mutS homolog 6; plus strand). Cytogenetic location: 2p16.3.
Variant type: Duplication.
Coding change: c.3282_3285dup on transcript NM_000179.3 (MANE Select); coding-DNA positions 3282 to 3285, 4 bases duplicated (ACGC; older notation c.3282_3285dupACGC).
Protein change: p.His1096fs; shifts the reading frame from histidine 1096.
Molecular consequence: frameshift variant.
Genome position (GRCh38, 1-based): chr2:47,803,529-47,803,532, ACGC duplicated; duplicating any 4 consecutive bases within chr2:47,803,528-47,803,532 gives the same sequence; the c. name uses the placement nearest the transcript's 3' end. VCF-style (leftmost placement, unchanged base first): chr2-47803527-T-TCACG. GRCh37 (hg19) VCF-style: chr2-48030666-T-TCACG.
Other names: c.2892_2895dup, p.His966fs (NM_001281492.2); c.2376_2379dup, p.His794fs (NM_001281493.2, NM_001281494.2); c.3378_3381dup, p.His1128Thrfs (NM_001406795.1, NM_001406802.1); c.3282_3285dup, p.His1096Thrfs (NM_001406796.1, NM_001406800.1, NM_001406808.1 and 1 more transcripts); c.2985_2988dup, p.His997Thrfs (NM_001406797.1, NM_001406801.1, NM_001406805.1 and 10 more transcripts); c.2757_2760dup, p.His921Thrfs (NM_001406799.1, NM_001406806.1, NM_001406807.1); c.2418_2421dup, p.His808Thrfs (NM_001406803.1); c.3204_3207dup, p.His1070Thrfs (NM_001406804.1); and 8 more; short protein forms H1096fs, H794fs, H966fs.
Identifiers: ClinVar variation 1729751 (VCV001729751.2), dbSNP rs2530765432, ClinGen allele CA2580067036.